The following is an entry in ClinVar:

ClinVar aggregate classification (germline): Uncertain significance. Review status: criteria provided, multiple submitters, no conflicts (2 of 4 stars). 2 submissions from 2 submitters: Uncertain significance (2). Last evaluated 2022-07-12.

Conditions:
LAMA2-related muscular dystrophy (LAMA2-RD). Also called: Laminin alpha 2-related dystrophy. Identifiers: MedGen C5679788, MONDO:0100228.

Submissions (2):

Labcorp Genetics (formerly Invitae), Labcorp
Classification: Uncertain significance for LAMA2-related muscular dystrophy. Last evaluated: 2022-07-12. Review status: criteria provided, single submitter. Criteria: Invitae Variant Classification Sherloc (09022015). Collection method: clinical testing. Allele origin: germline.
Comment: This sequence change replaces glutamine, which is neutral and polar, with arginine, which is basic and polar, at codon 566 of the LAMA2 protein (p.Gln566Arg). This variant is not present in population databases (gnomAD no frequency). This variant has not been reported in the literature in individuals affected with LAMA2-related conditions. ClinVar contains an entry for this variant (Variation ID: 854578). Advanced modeling of protein sequence and biophysical properties (such as structural, functional, and spatial information, amino acid conservation, physicochemical variation, residue mobility, and thermodynamic stability) performed at Invitae indicates that this missense variant is not expected to disrupt LAMA2 protein function. In summary, the available evidence is currently insufficient to determine the role of this variant in disease. Therefore, it has been classified as a Variant of Uncertain Significance.

Revvity Omics, Revvity
Classification: Uncertain significance. Last evaluated: 2021-09-28. Review status: criteria provided, single submitter. Criteria: ACMG Guidelines, 2015. Collection method: clinical testing. Allele origin: germline.

NM_000426.4(LAMA2):c.1697A>G (p.Gln566Arg)

Gene: LAMA2 (laminin subunit alpha 2; plus strand). Cytogenetic location: 6q22.33.
Variant type: single nucleotide variant.
Coding change: c.1697A>G on transcript NM_000426.4 (MANE Select); coding-DNA position 1697, A replaced by G.
Protein change: p.Gln566Arg; replaces glutamine 566 with arginine.
Molecular consequence: missense variant.
Genome position (GRCh38, 1-based): chr6:129,192,768, A>G. VCF-style: chr6-129192768-A-G. GRCh37 (hg19) VCF-style: chr6-129513913-A-G.
Other names: c.1697A>G, p.Gln566Arg (NM_001079823.2); short protein forms Q566R.
Identifiers: ClinVar variation 854578 (VCV000854578.9), dbSNP rs1781600449, ClinGen allele CA365608270.